The following is an entry in ClinVar:

NM_004646.4(NPHS1):c.2135_2136del (p.Ala712fs)

Gene: NPHS1 (NPHS1 adhesion molecule, nephrin; minus strand). Cytogenetic location: 19q13.12.
Variant type: Microsatellite.
Coding change: c.2135_2136del on transcript NM_004646.4 (MANE Select); coding-DNA positions 2135 to 2136, 2 bases deleted (CG; older notation c.2135_2136delCG).
Protein change: p.Ala712fs; shifts the reading frame from alanine 712.
Molecular consequence: frameshift variant.
Genome position (GRCh38, 1-based): chr19:35,844,179-35,844,180, CG deleted on the plus strand (CG on the coding strand, the reverse complement: NPHS1 is on the minus strand); deleting any 2 consecutive bases within chr19:35,844,179-35,844,184 gives the same sequence; the c. name uses the placement nearest the transcript's 3' end. VCF-style (leftmost placement, unchanged base first): chr19-35844178-CCG-C. GRCh37 (hg19) VCF-style: chr19-36335080-CCG-C.
Other names: short protein forms A712fs.
Identifiers: ClinVar variation 2119852 (VCV002119852.5), dbSNP rs2513771571, ClinGen allele CA2580612590.

ClinVar aggregate classification (germline): Pathogenic/Likely pathogenic. Review status: criteria provided, multiple submitters, no conflicts (2 of 4 stars). 2 submissions from 2 submitters: Pathogenic (1); Likely pathogenic (1). Last evaluated 2024-03-22.

Conditions:
Finnish congenital nephrotic syndrome (NPHS1). Also called: NEPHROTIC SYNDROME, TYPE 1. Identifiers: Orphanet 839, MedGen C0403399, MONDO:0009732, OMIM 256300.

Submissions (2):

Fulgent Genetics
Classification: Likely pathogenic for Finnish congenital nephrotic syndrome. Last evaluated: 2024-03-22. Review status: criteria provided, single submitter. Criteria: ACMG Guidelines, 2015. Collection method: clinical testing. Allele origin: germline.

Labcorp Genetics (formerly Invitae), Labcorp
Classification: Pathogenic. Last evaluated: 2022-03-31. Review status: criteria provided, single submitter. Criteria: Invitae Variant Classification Sherloc (09022015). Collection method: clinical testing. Allele origin: germline.
Comment: For these reasons, this variant has been classified as Pathogenic. This variant has not been reported in the literature in individuals affected with NPHS1-related conditions. This variant is not present in population databases (gnomAD no frequency). This sequence change creates a premature translational stop signal (p.Ala712Glyfs*13) in the NPHS1 gene. It is expected to result in an absent or disrupted protein product. Loss-of-function variants in NPHS1 are known to be pathogenic (PMID: 11317351, 11854170, 12039988).

Literature cited by the submitters: PubMed 11317351 (cited by Labcorp Genetics (formerly Invitae), Labcorp); PubMed 11854170 (cited by Labcorp Genetics (formerly Invitae), Labcorp); PubMed 12039988 (cited by Labcorp Genetics (formerly Invitae), Labcorp).